The following is an entry in ClinVar:

ClinVar aggregate classification (germline): Uncertain significance (1 of 4 stars; one submission).

Conditions:
Tumor predisposition syndrome 3 (TPDS3). Also called: Melanoma, cutaneous malignant, susceptibility to, 10; Glioma susceptibility 9; LONG TELOMERE SYNDROME, POT1-RELATED; POT1 Tumor Predisposition. Identifiers: Orphanet 618, MedGen C4014476, MONDO:0014368, OMIM 615848.

Submission:

Labcorp Genetics (formerly Invitae), Labcorp
Classification: Uncertain significance for Tumor predisposition syndrome 3. Last evaluated: 2021-12-30. Review status: criteria provided, single submitter. Criteria: Invitae Variant Classification Sherloc (09022015). Collection method: clinical testing. Allele origin: germline.
Comment: This sequence change replaces valine, which is neutral and non-polar, with alanine, which is neutral and non-polar, at codon 196 of the POT1 protein (p.Val196Ala). In summary, the available evidence is currently insufficient to determine the role of this variant in disease. Therefore, it has been classified as a Variant of Uncertain Significance. Algorithms developed to predict the effect of missense changes on protein structure and function (SIFT, PolyPhen-2, Align-GVGD) all suggest that this variant is likely to be tolerated. This variant has not been reported in the literature in individuals affected with POT1-related conditions. This variant is not present in population databases (gnomAD no frequency).

NM_015450.3(POT1):c.587T>C (p.Val196Ala)

Gene: POT1 (protection of telomeres 1; minus strand). Cytogenetic location: 7q31.33.
Variant type: single nucleotide variant.
Coding change: c.587T>C on transcript NM_015450.3 (MANE Select); coding-DNA position 587, T replaced by C.
Protein change: p.Val196Ala; replaces valine 196 with alanine.
Molecular consequence: missense variant. On other transcripts: non-coding transcript variant (3).
Genome position (GRCh38, 1-based): chr7:124,859,072, A>G on the plus strand (T>C on the coding strand, the complement: POT1 is on the minus strand). VCF-style: chr7-124859072-A-G. GRCh37 (hg19) VCF-style: chr7-124499126-A-G.
Other names: c.194T>C, p.Val65Ala (NM_001042594.2); short protein forms V65A, V196A.
Identifiers: ClinVar variation 1353519 (VCV001353519.6), dbSNP rs2116526306, ClinGen allele CA369056685.
Genomic context (GRCh38, chr7:124,859,072, plus strand): 5'-AGATTTTGTAGCCGATGGATGTGACTTAAATCACCTTCAAGAACAAGGTCTTGTATTAAG[A>G]CTCTCCAAGATGGAAATGGTGTCCTGGTGCCATCCCATACCTGCCATAAGAGAGTAGAGT-3'
Protein context (NP_056265.2, residues 186-206): GTRTPFPSWR[Val196Ala]LIQDLVLEGD